The following is an entry in ClinVar:

NM_138459.5(NUS1):c.691+2T>C

Gene: NUS1 (NUS1 dehydrodolichyl diphosphate synthase subunit; plus strand). Cytogenetic location: 6q22.1.
Variant type: single nucleotide variant.
Coding change: c.691+2T>C on transcript NM_138459.5 (MANE Select); the canonical splice donor site of the intron after coding-DNA position 691, T replaced by C.
Molecular consequence: splice donor variant.
Genome position (GRCh38, 1-based): chr6:117,694,182, T>C. VCF-style: chr6-117694182-T-C. GRCh37 (hg19) VCF-style: chr6-118015345-T-C.
Identifiers: ClinVar variation 3670974 (VCV003670974.2).
Genomic context (GRCh38, chr6:117,694,182, plus strand): 5'-AGCCCAGAAGCAAAAGAGACCCACAGATTTGGATGTAGATACGTTAGCCAGTTTACTTAG[T>C]AAGTTTTTTTATATATATATACATATATATGTATATGTATGTGTGTGTGTTTAGTTTTGT-3'

ClinVar aggregate classification (germline): Likely pathogenic (1 of 4 stars; one submission).

Conditions:
Congenital disorder of glycosylation, type Iaa. Also called: Congenital disorder of glycosylation, type 1aa. Identifiers: MedGen C4310727, MONDO:0014904, OMIM 617082.

Submission:

Labcorp Genetics (formerly Invitae), Labcorp
Classification: Likely pathogenic for Congenital disorder of glycosylation, type Iaa. Last evaluated: 2024-10-28. Review status: criteria provided, single submitter. Criteria: Invitae Variant Classification Sherloc (09022015). Collection method: clinical testing. Allele origin: germline.
Comment: This sequence change affects a donor splice site in intron 3 of the NUS1 gene. It is expected to disrupt RNA splicing. Variants that disrupt the donor or acceptor splice site typically lead to a loss of protein function (PMID: 16199547), and loss-of-function variants in NUS1 are known to be pathogenic (PMID: 29100083). This variant is not present in population databases (gnomAD no frequency). This variant has not been reported in the literature in individuals affected with NUS1-related conditions. Algorithms developed to predict the effect of sequence changes on RNA splicing suggest that this variant may disrupt the consensus splice site. In summary, the currently available evidence indicates that the variant is pathogenic, but additional data are needed to prove that conclusively. Therefore, this variant has been classified as Likely Pathogenic.

Literature cited by the submitters: PubMed 16199547; PubMed 29100083.